The following is an entry in ClinVar:

ClinVar aggregate classification (germline): Pathogenic/Likely pathogenic. Review status: criteria provided, multiple submitters, no conflicts (2 of 4 stars). 8 submissions from 7 submitters: Pathogenic (4); Likely pathogenic (4). Last evaluated 2026-04-01.

Conditions:
Autosomal dominant NF1-related disorders.
Hereditary cancer-predisposing syndrome. Also called: Neoplastic Syndromes, Hereditary; Hereditary Cancer Syndrome; Tumor predisposition; Hereditary neoplastic syndrome. Identifiers: Orphanet 140162, MedGen C0027672, MeSH D009386, MONDO:0015356.
Cardiovascular phenotype. Identifiers: MedGen CN230736.
Neurofibromatosis, type 1 (NF1). Also called: Peripheral type neurofibromatosis; Neurofibromatosis, type I; VON RECKLINGHAUSEN DISEASE; NEUROFIBROMATOSIS, TYPE I, SOMATIC. Identifiers: Orphanet 636, MedGen C0027831, MONDO:0018975, OMIM 162200. Disease mechanism: loss of function.
NF1-related disorder. Also called: NF1-related condition. Identifiers: MedGen CN379171.

Submissions (8):

Department of Genetics, Sultan Qaboos University Hospital
Classification: Pathogenic for Neurofibromatosis, type 1. Last evaluated: 2026-04-01. Review status: criteria provided, single submitter. Criteria: ACMG Guidelines, 2015. Collection method: clinical testing. Allele origin: germline. Affected: yes. Observed: 1 variant allele.
Comment: PM1,PM2,PM5,PP3_Strong,PP5_Very_Strong

GeneDx
Classification: Likely pathogenic. Last evaluated: 2025-10-26. Review status: criteria provided, single submitter. Criteria: GeneDx Variant Classification Process June 2021. Collection method: clinical testing. Allele origin: germline.
Comment: Observed in individuals referred for genetic testing at GeneDx and in published literature with a personal or family history consistent with pathogenic variants in this gene (PMID: 33794220, 35885913, 31370276); Not observed at significant frequency in large population cohorts (gnomAD); In silico analysis supports that this missense variant has a deleterious effect on protein structure/function; Published functional studies demonstrate defective RAS GAP activity (PMID: 40225167); This variant is associated with the following publications: (PMID: 33794220, 35885913, 31370276, 8437860, 23656349, 25486365, 22807134, 40225167)

Labcorp Genetics (formerly Invitae), Labcorp
Classification: Pathogenic for Neurofibromatosis, type 1. Last evaluated: 2025-08-08. Review status: criteria provided, single submitter. Criteria: Invitae Variant Classification Sherloc (09022015). Collection method: clinical testing. Allele origin: germline.
Comment: This sequence change replaces glutamine, which is neutral and polar, with histidine, which is basic and polar, at codon 1426 of the NF1 protein (p.Gln1426His). This variant is not present in population databases (gnomAD no frequency). This missense change has been observed in individual(s) with NF1-related disease (PMID: 21520333, 23656349; internal data). In at least one individual the variant was observed to be de novo. Invitae Evidence Modeling of clinical and family history, age, sex, and reported ancestry of multiple individuals with this NF1 variant has been performed. This variant is expected to be pathogenic with a positive predictive value of at least 99%. This is a validated machine learning model that incorporates the clinical features of 1,785,918 individuals referred to our laboratory for NF1 testing. ClinVar contains an entry for this variant (Variation ID: 233115). Invitae Evidence Modeling of protein sequence and biophysical properties (such as structural, functional, and spatial information, amino acid conservation, physicochemical variation, residue mobility, and thermodynamic stability) indicates that this missense variant is expected to disrupt NF1 protein function with a positive predictive value of 95%. This variant disrupts the p.Gln1426 amino acid residue in NF1. Other variant(s) that disrupt this residue have been determined to be pathogenic (PMID: 8437860, 17114577, 23047742). This suggests that this residue is clinically significant, and that variants that disrupt this residue are likely to be disease-causing. For these reasons, this variant has been classified as Pathogenic.

Variantyx, Inc.
Classification: Likely pathogenic for Autosomal dominant NF1-related disorders. Last evaluated: 2025-08-04. Review status: criteria provided, single submitter. Criteria: Variantyx Assertion Criteria 2022. Collection method: clinical testing. Allele origin: germline. Inheritance: Autosomal dominant inheritance. Affected: yes.
Comment: This is a nonsynonymous variant in the NF1 gene (OMIM: 613113). Pathogenic variants in this gene have been associated with autosomal dominant NF1-related disorders. This variant has been reported in at least two affected individuals (PMID: 31370276, 35885913) (PS4). Multiple computational algorithms predict a deleterious effect for this variant (REVEL score: 0.898) (PP3), and alternate amino acid changes at this position (p.Gln1447Glu, p.Gln1447Lys) have been previously reported in similarly affected individuals, which suggests that this residue is biologically important (PMID: 23913538, 19142971, 22155606) (PM5). This variant is absent from control populations (PM2). Based on the current evidence, this variant is classified as likely pathogenic for autosomal dominant NF1-related disorders.

Ambry Genetics
Classification: Pathogenic for Cardiovascular phenotype; Hereditary cancer-predisposing syndrome. Last evaluated: 2025-03-05. Review status: criteria provided, single submitter. Criteria: Ambry Variant Classification Scheme 2023. Collection method: clinical testing. Allele origin: germline.
Comment: The p.Q1426H pathogenic mutation (also known as c.4278G>C), located in coding exon 32 of the NF1 gene, results from a G to C substitution at nucleotide position 4278. The glutamine at codon 1426 is replaced by histidine, an amino acid with highly similar properties. This variant was reported in individual(s) with features consistent with neurofibromatosis type 1 (Giugliano T et al. Genes (Basel). 2019 07;10; Napolitano F et al. Genes (Basel). 2022 Jun;13:; Bell JM et al. J Pediatr. 2021 Jul;234:134-141.e5; Ambry internal data). Based on internal structural analysis, Q1426H is mildly destabilizing to the local structure of the NF1-RAS binding interface and more disruptive than known pathogenic variants on the same interface (Scheffzek K et al. EMBO J. 1998 Aug;17:4313-27; Ahmadian MR et al. J. Mol. Biol. 2003 Jun;329:699-710). This variant was not reported in population-based cohorts in the Genome Aggregation Database (gnomAD). In addition, this alteration is predicted to be deleterious by in silico analysis. Based on the supporting evidence, this variant is interpreted as a disease-causing mutation.

Blueprint Genetics
Classification: Pathogenic for NF1-related disorders. Last evaluated: 2023-02-27. Review status: criteria provided, single submitter. Criteria: ACMG Guidelines, 2015. Collection method: clinical testing. Allele origin: germline. Affected: yes. Observed: 1 variant allele.

Genome-Nilou Lab
Classification: Likely pathogenic for Neurofibromatosis, type 1. Last evaluated: 2022-03-15. Review status: criteria provided, single submitter. Criteria: ACMG Guidelines, 2015. Collection method: clinical testing. Allele origin: germline. Affected: no.

Ambry Genetics
Classification: Likely pathogenic for Hereditary cancer-predisposing syndrome. Last evaluated: 2015-07-24. Review status: criteria provided, single submitter. Criteria: Ambry Autosomal Dominant and X-Linked criteria (10/2015). Collection method: clinical testing. Allele origin: germline. Observed: 1 variant allele.
Comment: The p.Q1426H variant (also known as c.4278G>C), located in coding exon 32 of the NF1 gene, results from a G to C substitution at nucleotide position 4278. The glutamine at codon 1426 is replaced by histidine, an amino acid with highly similar properties. This variant was detected in an individual with a clinical diagnosis of neurofibromatosis type 1 (Giugliano T et al. Genes (Basel), 2019 07;10:). Based on internal structural analysis, Q1426H is mildly destabilizing to the local structure of the NF1-RAS binding interface and more disruptive than known pathogenic variants on the same interface (Scheffzek K et al. EMBO J., 1998 Aug;17:4313-27; Ahmadian MR et al. J. Mol. Biol., 2003 Jun;329:699-710). This variant was not reported in population-based cohorts in the Genome Aggregation Database (gnomAD). In addition, this alteration is predicted to be deleterious by in silico analysis. Based on the majority of available evidence to date, this variant is likely to be pathogenic.

Literature cited by the submitters: PubMed 21520333 (cited by Labcorp Genetics (formerly Invitae), Labcorp); PubMed 23656349 (cited by Labcorp Genetics (formerly Invitae), Labcorp); PubMed 8437860 (cited by Labcorp Genetics (formerly Invitae), Labcorp); PubMed 17114577 (cited by Labcorp Genetics (formerly Invitae), Labcorp); PubMed 23047742 (cited by Labcorp Genetics (formerly Invitae), Labcorp); PubMed 23913538 (cited by Variantyx, Inc.); PubMed 19142971 (cited by Variantyx, Inc.); PubMed 22155606 (cited by Variantyx, Inc.); PubMed 31370276 (cited by Variantyx, Inc. and Ambry Genetics); PubMed 35885913 (cited by Variantyx, Inc. and Ambry Genetics); PubMed 12787671 (cited by Ambry Genetics); PubMed 33794220 (cited by Ambry Genetics); PubMed 9687500 (cited by Ambry Genetics).

NM_001042492.3(NF1):c.4341G>C (p.Gln1447His)

Gene: NF1 (neurofibromin 1; plus strand). Cytogenetic location: 17q11.2.
Variant type: single nucleotide variant.
Coding change: c.4341G>C on transcript NM_001042492.3 (MANE Select); coding-DNA position 4341, G replaced by C.
Protein change: p.Gln1447His; replaces glutamine 1447 with histidine.
Molecular consequence: missense variant.
Genome position (GRCh38, 1-based): chr17:31,259,040, G>C. VCF-style: chr17-31259040-G-C. GRCh37 (hg19) VCF-style: chr17-29586058-G-C.
Other names: c.4278G>C, p.Gln1426His (NM_000267.4); short protein forms Q1426H, Q1447H.
Identifiers: ClinVar variation 233115 (VCV000233115.19), dbSNP rs876660206, ClinGen allele CA10580310.